The following is an entry in ClinVar:

ClinVar aggregate classification (germline): Uncertain significance. Review status: criteria provided, multiple submitters, no conflicts (2 of 4 stars). 2 submissions from 2 submitters: Uncertain significance (2). Last evaluated 2023-05-01.

Conditions:
Hereditary cancer-predisposing syndrome. Also called: Neoplastic Syndromes, Hereditary; Hereditary Cancer Syndrome; Tumor predisposition; Hereditary neoplastic syndrome. Identifiers: Orphanet 140162, MedGen C0027672, MeSH D009386, MONDO:0015356.
Ataxia-telangiectasia syndrome (AT). Also called: LOUIS-BAR SYNDROME; Cerebello-oculocutaneous telangiectasia; Immunodeficiency with ataxia telangiectasia; Ataxia-telangiectasia, complementation group D; AT, COMPLEMENTATION GROUP C; Ataxia-telangiectasia, complementation group E. Identifiers: Orphanet 100, MedGen C0004135, MONDO:0008840, OMIM 208900.

Submissions (2):

Labcorp Genetics (formerly Invitae), Labcorp
Classification: Uncertain significance for Ataxia-telangiectasia syndrome. Last evaluated: 2023-05-01. Review status: criteria provided, single submitter. Criteria: Invitae Variant Classification Sherloc (09022015). Collection method: clinical testing. Allele origin: germline.
Comment: In summary, the available evidence is currently insufficient to determine the role of this variant in disease. Therefore, it has been classified as a Variant of Uncertain Significance. An algorithm developed to predict the effect of missense changes on protein structure and function (PolyPhen-2) suggests that this variant is likely to be tolerated. ClinVar contains an entry for this variant (Variation ID: 481088). This variant has not been reported in the literature in individuals affected with ATM-related conditions. This variant is not present in population databases (gnomAD no frequency). This sequence change replaces threonine, which is neutral and polar, with proline, which is neutral and non-polar, at codon 2335 of the ATM protein (p.Thr2335Pro).

Ambry Genetics
Classification: Uncertain significance for Hereditary cancer-predisposing syndrome. Last evaluated: 2016-09-13. Review status: criteria provided, single submitter. Criteria: Ambry Variant Classification Scheme 2023. Collection method: clinical testing. Allele origin: germline.
Comment: The p.T2335P variant (also known as c.7003A>C), located in coding exon 47 of the ATM gene, results from an A to C substitution at nucleotide position 7003. The threonine at codon 2335 is replaced by proline, an amino acid with highly similar properties. This variant was not reported in population based cohorts in the following databases: Database of Single Nucleotide Polymorphisms (dbSNP), NHLBI Exome Sequencing Project (ESP), and 1000 Genomes Project. In the ESP, this variant was not observed in 6499 samples (12998 alleles) with coverage at this position. To date, this alteration has been detected with an allele frequency of approximately 0.001% (greater than 180000 alleles tested) in our clinical cohort. This amino acid position is not well conserved in available vertebrate species. In addition, the in silico prediction for this alteration is inconclusive. Since supporting evidence is limited at this time, the clinical significance of this alteration remains unclear.

NM_000051.4(ATM):c.7003A>C (p.Thr2335Pro)

Genes: ATM (ATM serine/threonine kinase; plus strand), C11orf65 (chromosome 11 open reading frame 65; minus strand). Cytogenetic location: 11q22.3.
Variant type: single nucleotide variant.
Coding change: c.7003A>C on transcript NM_000051.4 (MANE Select); coding-DNA position 7003, A replaced by C.
Protein change: p.Thr2335Pro; replaces threonine 2335 with proline.
Molecular consequence: missense variant. On other transcripts: intron variant (2).
Genome position (GRCh38, 1-based): chr11:108,327,672, A>C. VCF-style: chr11-108327672-A-C. GRCh37 (hg19) VCF-style: chr11-108198399-A-C.
Other names: c.7003A>C, p.Thr2335Pro (NM_001351834.2); c.641-18601T>G (NM_001330368.2); c.*38+7548T>G (NM_001351110.2); short protein forms T2335P.
Identifiers: ClinVar variation 481088 (VCV000481088.10), dbSNP rs1555120970, ClinGen allele CA382558662.